The following is an entry in ClinVar:

NM_000238.4(KCNH2):c.1328C>A (p.Thr443Asn)

Gene: KCNH2 (potassium voltage-gated channel subfamily H member 2; minus strand). Cytogenetic location: 7q36.1.
Variant type: single nucleotide variant.
Coding change: c.1328C>A on transcript NM_000238.4 (MANE Select); coding-DNA position 1328, C replaced by A.
Protein change: p.Thr443Asn; replaces threonine 443 with asparagine.
Molecular consequence: missense variant. On other transcripts: non-coding transcript variant (2).
Genome position (GRCh38, 1-based): chr7:150,952,654, G>T on the plus strand (C>A on the coding strand, the complement: KCNH2 is on the minus strand). VCF-style: chr7-150952654-G-T. GRCh37 (hg19) VCF-style: chr7-150649742-G-T.
Other names: c.308C>A, p.Thr103Asn (NM_001204798.2, NM_172057.3); c.1040C>A, p.Thr347Asn (NM_001406753.1, NM_001406756.1); c.1151C>A, p.Thr384Asn (NM_001406755.1); c.1028C>A, p.Thr343Asn (NM_001406757.1); c.1328C>A, p.Thr443Asn (NM_172056.3); short protein forms T103N, T343N, T347N, T384N, T443N.
Identifiers: ClinVar variation 3017679 (VCV003017679.4), dbSNP rs755304105, ClinGen allele CA027707.
Genomic context (GRCh38, chr7:150,952,654, plus strand): 5'-AACATGATGTCCACGATGAGGTCCACCACAGCCAGCGGCTGGCAGGCGTAGCCACACTCG[G>T]TAGCAGGCGGGCCTTCTTCCGTCTCCTTCAGCAGGAAGGCAGCCGAGTAGGGTGTGAAGA-3'
Protein context (NP_000229.1, residues 433-453): LKETEEGPPA[Thr443Asn]ECGYACQPLA

ClinVar aggregate classification (germline): Uncertain significance. Review status: criteria provided, multiple submitters, no conflicts (2 of 4 stars). 2 submissions from 2 submitters: Uncertain significance (2). Last evaluated 2025-05-30.

Conditions:
Long QT syndrome (LQTS). Identifiers: MedGen C0023976, MeSH D008133, MONDO:0002442. Disease mechanism: loss of function. Inheritance: Various modes of inheritance.
Cardiac arrhythmia. Also called: Arrhythmia; Cardiac rhythm disease. Identifiers: MedGen C0003811, MONDO:0007263, HP:0011675.

Allele frequency attached by ClinVar (database versions not stated): gnomAD exomes below 0.00001; TOPMed below 0.00001; ExAC 0.00001; gnomAD 0.00001.
gnomAD v4.1: 3 of 1,614,126 alleles (0.00019%); highest among the groups gnomAD compares: Non-Finnish European, 0.00025%; no homozygotes.

Submissions (2):

Color Diagnostics, LLC DBA Color Health
Classification: Uncertain significance for Cardiac arrhythmia. Last evaluated: 2025-05-30. Review status: criteria provided, single submitter. Criteria: ACMG Guidelines, 2015. Collection method: clinical testing. Allele origin: germline.
Comment: This missense variant replaces threonine with asparagine at codon 443 of the KCNH2 protein. Computational prediction suggests that this variant may not impact protein structure and function. To our knowledge, functional studies have not been reported for this variant. This variant has not been reported in individuals affected with KCNH2-related disorders in the literature. This variant has been identified in 1/251474 chromosomes in the general population by the Genome Aggregation Database (gnomAD). The available evidence is insufficient to determine the role of this variant in disease conclusively. Therefore, this variant is classified as a Variant of Uncertain Significance.

Labcorp Genetics (formerly Invitae), Labcorp
Classification: Uncertain significance for Long QT syndrome. Last evaluated: 2023-01-15. Review status: criteria provided, single submitter. Criteria: Invitae Variant Classification Sherloc (09022015). Collection method: clinical testing. Allele origin: germline.
Comment: In summary, the available evidence is currently insufficient to determine the role of this variant in disease. Therefore, it has been classified as a Variant of Uncertain Significance. Algorithms developed to predict the effect of missense changes on protein structure and function (SIFT, PolyPhen-2, Align-GVGD) all suggest that this variant is likely to be tolerated. This variant has not been reported in the literature in individuals affected with KCNH2-related conditions. This variant is present in population databases (rs755304105, gnomAD 0.0009%). This sequence change replaces threonine, which is neutral and polar, with asparagine, which is neutral and polar, at codon 443 of the KCNH2 protein (p.Thr443Asn).